The following is an entry in ClinVar:

ClinVar aggregate classification (germline): Likely benign. Review status: criteria provided, single submitter (1 of 4 stars). 2 submissions from 2 submitters: Likely benign (1). 1 of the submissions does not count toward it. Last evaluated 2025-10-16.

Conditions:
FBN3-related disorder. Also called: FBN3-related condition.

Allele frequency attached by ClinVar (database versions not stated): TOPMed 0.00008; ExAC 0.00009; 1000 Genomes Project 0.00020; 1000 Genomes Project 30x 0.00031; gnomAD 0.00005.
gnomAD v4.1: 48 of 1,591,394 alleles (0.003%); highest among the groups gnomAD compares: Admixed American, 0.028%; no homozygotes.

Submissions (2):

Labcorp Genetics (formerly Invitae), Labcorp
Classification: Likely benign. Last evaluated: 2025-10-16. Review status: criteria provided, single submitter. Criteria: Invitae Variant Classification Sherloc (09022015). Collection method: clinical testing. Allele origin: germline.

PreventionGenetics, part of Exact Sciences
Classification: Likely benign for FBN3-related condition. Last evaluated: 2019-06-05. Review status: no assertion criteria provided. Collection method: clinical testing. Allele origin: germline. Not counted in ClinVar's aggregate classification.
Comment: This variant is classified as likely benign based on ACMG/AMP sequence variant interpretation guidelines (Richards et al. 2015 PMID: 25741868, with internal and published modifications).

NM_032447.5(FBN3):c.63G>A (p.Ser21=)

Gene: FBN3 (fibrillin 3; minus strand). Cytogenetic location: 19p13.2.
Variant type: single nucleotide variant.
Coding change: c.63G>A on transcript NM_032447.5 (MANE Select); coding-DNA position 63, G replaced by A.
Protein change: p.Ser21=; no amino-acid change (serine 21 retained).
Molecular consequence: synonymous variant.
Genome position (GRCh38, 1-based): chr19:8,147,418, C>T on the plus strand (G>A on the coding strand, the complement: FBN3 is on the minus strand). VCF-style: chr19-8147418-C-T. GRCh37 (hg19) VCF-style: chr19-8212302-C-T.
Other names: c.63G>A, p.Ser21= (NM_001321431.2); c.63G>A (NM_001321431.1).
Identifiers: ClinVar variation 2050655 (VCV002050655.6), dbSNP rs559203924, ClinGen allele CA9153889.
Genomic context (GRCh38, chr19:8,147,418, plus strand): 5'-ACCTGCAGCCTCCAAGGCCCCGTCCCAGCGGCCTTGGCCACCTGCCATGCACAACAGGGC[C>T]GACCAGGCCAGCAGGAGCCGGGCCAGGGGGCCCCTTGCCAAATACAGACCCTCCAGAGTC-3'
Protein context (NP_115823.3, residues 11-31): GPLARLLLAW[Ser21=]ALLCMAGGQG